The following is an entry in ClinVar:

ClinVar aggregate classification (germline): Pathogenic. Review status: criteria provided, single submitter (1 of 4 stars). 2 submissions from 2 submitters: Pathogenic (1). 1 of the submissions does not count toward it. Last evaluated 2022-03-11.

Allele frequency attached by ClinVar (database versions not stated): gnomAD exomes below 0.00001; gnomAD 0.00001; TOPMed 0.00002.

Submissions (2):

Labcorp Genetics (formerly Invitae), Labcorp
Classification: Pathogenic. Last evaluated: 2022-03-11. Review status: criteria provided, single submitter. Criteria: Invitae Variant Classification Sherloc (09022015). Collection method: clinical testing. Allele origin: germline.
Comment: For these reasons, this variant has been classified as Pathogenic. ClinVar contains an entry for this variant (Variation ID: 591734). This variant has not been reported in the literature in individuals affected with SLC6A19-related conditions. This variant is not present in population databases (gnomAD no frequency). This sequence change creates a premature translational stop signal (p.Thr243Serfs*2) in the SLC6A19 gene. It is expected to result in an absent or disrupted protein product. Loss-of-function variants in SLC6A19 are known to be pathogenic (PMID: 15286787, 15286788).

Gharavi Laboratory, Columbia University
Classification: Uncertain significance. Last evaluated: 2018-09-16. Review status: no assertion criteria provided. Criteria: ACMG Guidelines, 2015. Collection method: research. Allele origin: germline. Affected: yes. Not counted in ClinVar's aggregate classification.

Literature cited by the submitters: PubMed 15286787 (cited by Labcorp Genetics (formerly Invitae), Labcorp); PubMed 15286788 (cited by Labcorp Genetics (formerly Invitae), Labcorp).

NM_001003841.3(SLC6A19):c.728del (p.Thr243fs)

Gene: SLC6A19 (solute carrier family 6 member 19; plus strand). Cytogenetic location: 5p15.33.
Variant type: Deletion.
Coding change: c.728del on transcript NM_001003841.3 (MANE Select); coding-DNA position 728, one base deleted (C; older notation c.728delC).
Protein change: p.Thr243fs; shifts the reading frame from threonine 243.
Molecular consequence: frameshift variant.
Genome position (GRCh38, 1-based): chr5:1,213,527, C deleted. VCF-style (leftmost placement, unchanged base first): chr5-1213526-AC-A. GRCh37 (hg19) VCF-style: chr5-1213641-AC-A.
Other names: short protein forms T243fs.
Identifiers: ClinVar variation 591734 (VCV000591734.5), dbSNP rs1561165786, ClinGen allele CA891862678.